The following is an entry in ClinVar:

ClinVar aggregate classification (germline): Uncertain significance (1 of 4 stars; one submission).

Conditions:
Familial thoracic aortic aneurysm and aortic dissection (TAAD). Also called: Thoracic aortic aneurysms and dissections. Identifiers: Orphanet 91387, MedGen C4707243, MONDO:0019625.

Allele frequency attached by ClinVar (database versions not stated): gnomAD 0.00001.
gnomAD v4.1: 4 of 1,589,746 alleles (0.00025%); highest among the groups gnomAD compares: Admixed American, 0.0018%; no homozygotes.

Submission:

Ambry Genetics
Classification: Uncertain significance for Familial thoracic aortic aneurysm and aortic dissection. Last evaluated: 2022-12-16. Review status: criteria provided, single submitter. Criteria: Ambry Variant Classification Scheme 2023. Collection method: clinical testing. Allele origin: germline.
Comment: The p.V596L variant (also known as c.1786G>C), located in coding exon 6 of the SKI gene, results from a G to C substitution at nucleotide position 1786. The valine at codon 596 is replaced by leucine, an amino acid with highly similar properties. This amino acid position is conserved. In addition, the in silico prediction for this alteration is inconclusive. Since supporting evidence is limited at this time, the clinical significance of this alteration remains unclear.

NM_003036.4(SKI):c.1786G>C (p.Val596Leu)

Gene: SKI (SKI proto-oncogene; plus strand). Cytogenetic location: 1p36.32.
Variant type: single nucleotide variant.
Coding change: c.1786G>C on transcript NM_003036.4 (MANE Select); coding-DNA position 1786, G replaced by C.
Protein change: p.Val596Leu; replaces valine 596 with leucine.
Molecular consequence: missense variant.
Genome position (GRCh38, 1-based): chr1:2,306,038, G>C. VCF-style: chr1-2306038-G-C. GRCh37 (hg19) VCF-style: chr1-2237477-G-C.
Other names: short protein forms V596L.
Identifiers: ClinVar variation 2452629 (VCV002452629.2), dbSNP rs774196267, ClinGen allele CA536810.